The following is an entry in ClinVar:

ClinVar aggregate classification (germline): Likely benign. Review status: criteria provided, multiple submitters, no conflicts (2 of 4 stars). 3 submissions from 3 submitters: Likely benign (2). 1 of the submissions does not count toward it. Last evaluated 2024-08-19.

Conditions:
SETD1A-related disorder. Also called: SETD1A-related condition.
Inborn genetic diseases. Identifiers: MedGen C0950123, MeSH D030342.

Allele frequency attached by ClinVar (database versions not stated): ESP Exome Variant Server 0.00008; 1000 Genomes Project 30x 0.00016; ExAC 0.00016; gnomAD 0.00017; TOPMed 0.00017; gnomAD exomes 0.00026.

Submissions (3):

Ambry Genetics
Classification: Likely benign for Inborn genetic diseases. Last evaluated: 2024-08-19. Review status: criteria provided, single submitter. Criteria: Ambry Variant Classification Scheme 2023. Collection method: clinical testing. Allele origin: germline.

CeGaT Center for Human Genetics Tuebingen
Classification: Likely benign. Last evaluated: 2022-07-01. Review status: criteria provided, single submitter. Criteria: CeGaT Center For Human Genetics Tuebingen Variant Classification Criteria Version 2. Collection method: clinical testing. Allele origin: germline. Affected: yes. Observed: 2 variant alleles.
Comment: SETD1A: BS2

PreventionGenetics, part of Exact Sciences
Classification: Likely benign for SETD1A-related condition. Last evaluated: 2021-02-08. Review status: no assertion criteria provided. Collection method: clinical testing. Allele origin: germline. Not counted in ClinVar's aggregate classification.
Comment: This variant is classified as likely benign based on ACMG/AMP sequence variant interpretation guidelines (Richards et al. 2015 PMID: 25741868, with internal and published modifications).

NM_014712.3(SETD1A):c.3386C>T (p.Ala1129Val)

Gene: SETD1A (SET domain containing 1A, histone lysine methyltransferase; plus strand). Cytogenetic location: 16p11.2.
Variant type: single nucleotide variant.
Coding change: c.3386C>T on transcript NM_014712.3 (MANE Select); coding-DNA position 3386, C replaced by T.
Protein change: p.Ala1129Val; replaces alanine 1129 with valine.
Molecular consequence: missense variant.
Genome position (GRCh38, 1-based): chr16:30,979,172, C>T. VCF-style: chr16-30979172-C-T. GRCh37 (hg19) VCF-style: chr16-30990493-C-T.
Other names: c.3386C>T (NM_014712.1, NM_014712.2); short protein forms A1129V.
Identifiers: ClinVar variation 2646448 (VCV002646448.26), dbSNP rs375479782, ClinGen allele CA8017268.
Genomic context (GRCh38, chr16:30,979,172, plus strand): 5'-ACCTCCTTTCCTTCCTATGTGCTTCCTTCCCAGGCCCCACGGAGGAGTCACCCCCCAGTG[C>T]GCCTCTGCGTCCCCCAGAACCACCTGCTGGGCCCCCGGCCCCTGCCCCACGCCCCGATGA-3'
Protein context (NP_055527.1, residues 1119-1139): AGPTEESPPS[Ala1129Val]PLRPPEPPAG